The following is an entry in ClinVar:

ClinVar aggregate classification (germline): Uncertain significance (1 of 4 stars; one submission).

Submission:

Women's Health and Genetics/Laboratory Corporation of America, LabCorp
Classification: Uncertain significance. Last evaluated: 2025-03-20. Review status: criteria provided, single submitter. Criteria: LabCorp Variant Classification Summary - May 2015. Collection method: clinical testing. Allele origin: germline.
Comment: Variant summary: GK c.289A>G (p.Thr97Ala) results in a non-conservative amino acid change in the encoded protein sequence. Three of five in-silico tools predict a damaging effect of the variant on protein function. The variant was absent in 183516 control chromosomes. The available data on variant occurrences in the general population are insufficient to allow any conclusion about variant significance. To our knowledge, no occurrence of c.289A>G in individuals affected with Inborn Glycerol Kinase Deficiency and no experimental evidence demonstrating its impact on protein function have been reported. No submitters have cited clinical-significance assessments for this variant to ClinVar. Based on the evidence outlined above, the variant was classified as uncertain significance.

NM_001205019.2(GK):c.289A>G (p.Thr97Ala)

Gene: GK (glycerol kinase; plus strand). Cytogenetic location: Xp21.2.
Variant type: single nucleotide variant.
Coding change: c.289A>G on transcript NM_001205019.2 (MANE Select); coding-DNA position 289, A replaced by G.
Protein change: p.Thr97Ala; replaces threonine 97 with alanine.
Molecular consequence: missense variant. On other transcripts: non-coding transcript variant (7).
Genome position (GRCh38, 1-based): chrX:30,677,404, A>G. VCF-style: chrX-30677404-A-G. GRCh37 (hg19) VCF-style: chrX-30695521-A-G.
Other names: c.289A>G, p.Thr97Ala (NM_000167.6, NM_001128127.3, NM_001399987.1 and 1 more transcripts); short protein forms T97A.
Identifiers: ClinVar variation 3896057 (VCV003896057.1).